The following is an entry in ClinVar:

NM_001386135.1(AFF3):c.1750G>A (p.Gly584Ser)

Gene: AFF3 (ALF transcription elongation factor 3; minus strand). Cytogenetic location: 2q11.2.
Variant type: single nucleotide variant.
Coding change: c.1750G>A on transcript NM_001386135.1 (MANE Select); coding-DNA position 1750, G replaced by A.
Protein change: p.Gly584Ser; replaces glycine 584 with serine.
Molecular consequence: missense variant.
Genome position (GRCh38, 1-based): chr2:99,593,911, C>T on the plus strand (G>A on the coding strand, the complement: AFF3 is on the minus strand). VCF-style: chr2-99593911-C-T. GRCh37 (hg19) VCF-style: chr2-100210373-C-T.
Other names: c.1825G>A, p.Gly609Ser (NM_001025108.2); c.1750G>A, p.Gly584Ser (NM_002285.3); short protein forms G584S, G609S.
Identifiers: ClinVar variation 4881928 (VCV004881928.2).
Genomic context (GRCh38, chr2:99,593,911, plus strand): 5'-GGTGGCAGTTGGCGCCGTCCCCGGCTGAGGTCCTCTCGGTGCGCCTGGTGGGCTTCTTGC[C>T]CGCGGACCTCCGGGCAGGCGCGGGCGCGTTCTCCGCGGGCGCACAGGGCACTGCGGGTGG-3'
Protein context (NP_001373064.1, residues 574-594): NAPAPARRSA[Gly584Ser]KKPTRRTERT

ClinVar aggregate classification (germline): Uncertain significance (1 of 4 stars; one submission).

gnomAD v4.1: 2 of 1,431,474 alleles (0.00014%); highest among the groups gnomAD compares: Admixed American, 0.003%; no homozygotes.

Submission:

Dasa
Classification: Uncertain significance. Last evaluated: 2025-02-27. Review status: criteria provided, single submitter. Criteria: DASA Assertion Criteria. Collection method: clinical testing. Allele origin: germline.
Comment: NM_001386135.1(AFF3):c.1750G>A (p.Gly584Ser) is a missense variant that results in the substitution of glycine with serine. This variant is rare in population databases. Computational prediction algorithms are consistent with a benign effect. The currently available literature and clinical evidence are not sufficient to establish a definitive association between this variant and the reported condition. Therefore, this variant is classified as a variant of uncertain significance.